The following is an entry in ClinVar:

ClinVar aggregate classification (germline): Pathogenic. Review status: criteria provided, multiple submitters, no conflicts (2 of 4 stars). 9 submissions from 9 submitters: Pathogenic (6). 3 of the submissions do not count toward it. Last evaluated 2025-03-06.

Conditions:
CNGB3-related disorder. Also called: CNGB3-related condition; CNGB3-related disorders. Identifiers: MedGen CN239340.
Retinal dystrophy. Also called: Inherited retinal dystrophy. Identifiers: Orphanet 71862, MedGen C0854723, MeSH D058499, MONDO:0019118, HP:0000556.
Achromatopsia. Also called: Rod monochromatism. Identifiers: Orphanet 49382, MedGen C0152200, MONDO:0018852, HP:0011516.
Achromatopsia 3 (ACHM3). Also called: ACHROMATOPSIA WITH MYOPIA; TOTAL COLORBLINDNESS WITH MYOPIA; PINGELAPESE BLINDNESS; ROD MONOCHROMACY 1; ROD MONOCHROMATISM 1. Identifiers: Orphanet 49382, MedGen C1849792, MONDO:0009875, OMIM 262300.

Allele frequency attached by ClinVar (database versions not stated): TOPMed 0.00003; gnomAD 0.00003.
gnomAD v4.1: 38 of 1,613,642 alleles (0.0024%); highest among the groups gnomAD compares: African/African-American, 0.0067%; no homozygotes.

Submissions (9):

Natera, Inc.
Classification: Pathogenic for Achromatopsia. Last evaluated: 2025-03-06. Review status: criteria provided, single submitter. Criteria: Natera Variant Classification Schema (03/2026). Collection method: clinical testing. Allele origin: germline.
Comment: The c.607C>T variant in CNGB3 is a nonsense variant predicted to introduce a stop codon at amino acid 203. This variant is expected to result in nonsense mediated decay, truncation, or a dysfunctional protein product. This variant is rare in the general population with a frequency below the threshold expected for the associated phenotype(s). This variant has been observed in one or more individuals affected with the associated recessive disease, as either homozygous or compound heterozygous with a second variant (PMID: 28795510). Additionally, this variant has been observed to segregate in affected family members (PMID: 28795510). Given the available evidence, this variant is classified as Pathogenic.

Blueprint Genetics
Classification: Pathogenic for CNGB3-related disorders. Last evaluated: 2024-11-26. Review status: criteria provided, single submitter. Criteria: ACMG Guidelines, 2015. Collection method: clinical testing. Allele origin: germline. Affected: yes. Observed: 5 variant alleles.

Labcorp Genetics (formerly Invitae), Labcorp
Classification: Pathogenic. Last evaluated: 2024-09-22. Review status: criteria provided, single submitter. Criteria: Invitae Variant Classification Sherloc (09022015). Collection method: clinical testing. Allele origin: germline.
Comment: This sequence change creates a premature translational stop signal (p.Arg203*) in the CNGB3 gene. It is expected to result in an absent or disrupted protein product. Loss-of-function variants in CNGB3 are known to be pathogenic (PMID: 28795510). This variant is present in population databases (rs267606739, gnomAD 0.007%). This premature translational stop signal has been observed in individuals with achromatopsia, early-onset retinal dystrophy, and/or Leber congenital amaurosis (PMID: 10958649, 25205868, 27874104, 29186038). It has also been observed to segregate with disease in related individuals. ClinVar contains an entry for this variant (Variation ID: 5223). Algorithms developed to predict the effect of sequence changes on RNA splicing suggest that this variant may disrupt the consensus splice site. For these reasons, this variant has been classified as Pathogenic.

CeGaT Center for Human Genetics Tuebingen
Classification: Pathogenic. Last evaluated: 2023-09-01. Review status: criteria provided, single submitter. Criteria: CeGaT Center For Human Genetics Tuebingen Variant Classification Criteria Version 2. Collection method: clinical testing. Allele origin: germline. Affected: yes. Observed: 1 variant allele.
Comment: CNGB3: PM3:Very Strong, PVS1, PM2

Institute of Human Genetics, Univ. Regensburg, Univ. Regensburg
Classification: Pathogenic for Retinal dystrophy. Last evaluated: 2022-01-01. Review status: criteria provided, single submitter. Criteria: ACMG Guidelines, 2015. Collection method: clinical testing. Allele origin: germline. Affected: yes.

Juno Genomics, Hangzhou Juno Genomics, Inc
Classification: Pathogenic for Achromatopsia 3. Review status: criteria provided, single submitter. Criteria: ACMG Guidelines, 2015. Collection method: clinical testing. Allele origin: germline.
Comment: Absent from controls (or at extremely low frequency if recessive) in Genome Aggregation Database.;Null variant in a gene where loss of function (LOF) is a known mechanism of disease.;For recessive disorders, detected in trans with a pathogenic variant.

Molecular Genetics Laboratory, Institute for Ophthalmic Research
Classification: Pathogenic for ACHM3. Last evaluated: 2017-03-27. Review status: no assertion criteria provided. Collection method: research. Allele origin: germline. Affected: yes. Not counted in ClinVar's aggregate classification.

Counsyl
Classification: Likely pathogenic for Achromatopsia 3. Last evaluated: 2014-11-14. Review status: no assertion criteria provided. Collection method: literature only. Allele origin: unknown. Inheritance: Autosomal recessive inheritance. Not counted in ClinVar's aggregate classification.

OMIM
Classification: Pathogenic for ACHROMATOPSIA 3. Last evaluated: 2000-09-01. Review status: no assertion criteria provided. Collection method: literature only. Allele origin: germline. Not counted in ClinVar's aggregate classification.

Literature cited by the submitters: PubMed 28795510 (cited by 3 submitters); PubMed 10958649 (cited by 4 submitters); PubMed 25205868 (cited by Labcorp Genetics (formerly Invitae), Labcorp and Counsyl); PubMed 27874104 (cited by Labcorp Genetics (formerly Invitae), Labcorp and Institute of Human Genetics, Univ. Regensburg, Univ. Regensburg); PubMed 29186038 (cited by Labcorp Genetics (formerly Invitae), Labcorp and Institute of Human Genetics, Univ. Regensburg, Univ. Regensburg); PubMed 25525159 (cited by Institute of Human Genetics, Univ. Regensburg, Univ. Regensburg); PubMed 31964843 (cited by Institute of Human Genetics, Univ. Regensburg, Univ. Regensburg); PubMed 32531858 (cited by Institute of Human Genetics, Univ. Regensburg, Univ. Regensburg); PubMed 15657609 (cited by Counsyl).

NM_019098.5(CNGB3):c.607C>T (p.Arg203Ter)

Gene: CNGB3 (cyclic nucleotide gated channel subunit beta 3; minus strand). Cytogenetic location: 8q21.3.
Variant type: single nucleotide variant.
Coding change: c.607C>T on transcript NM_019098.5 (MANE Select); coding-DNA position 607, C replaced by T.
Protein change: p.Arg203Ter; replaces arginine 203 with a stop codon.
Molecular consequence: nonsense.
Genome position (GRCh38, 1-based): chr8:86,668,055, G>A on the plus strand (C>T on the coding strand, the complement: CNGB3 is on the minus strand). VCF-style: chr8-86668055-G-A. GRCh37 (hg19) VCF-style: chr8-87680283-G-A.
Other names: CNGB3, 607C-T, ARG203TER; short protein forms R203*.
Identifiers: ClinVar variation 5223 (VCV000005223.44), dbSNP rs267606739, ClinGen allele CA253441.